The following is an entry in ClinVar:

ClinVar aggregate classification (germline): Conflicting classifications of pathogenicity. Review status: criteria provided, conflicting classifications (1 of 4 stars). 3 submissions from 3 submitters: Uncertain significance (2); Likely benign (1). Last evaluated 2025-11-29.

Conditions:
Pretibial dystrophic epidermolysis bullosa. Also called: EPIDERMOLYSIS BULLOSA DYSTROPHICA, PRETIBIAL; Pretibial epidermolysis bullosa; Pretibial blistering. Identifiers: Orphanet 79410, MedGen C0432321, MONDO:0007552, OMIM 131850, HP:0012221.
Dominant dystrophic epidermolysis bullosa with absence of skin. Also called: EPIDERMOLYSIS BULLOSA WITH CONGENITAL LOCALIZED ABSENCE OF SKIN AND DEFORMITY OF NAILS; EPIDERMOLYSIS BULLOSA DYSTROPHICA, BART TYPE. Identifiers: MedGen C0268371, MONDO:0007557, OMIM 132000.
Transient bullous dermolysis of the newborn (TBDN). Also called: DYSTROPHIC EPIDERMOLYSIS BULLOSA, NEONATAL; EPIDERMOLYSIS BULLOSA DYSTROPHICA, NEONATAL FORM. Identifiers: Orphanet 79411, MedGen C1851573, MONDO:0007548, OMIM 131705.
Generalized dominant dystrophic epidermolysis bullosa (DDEB). Also called: DYSTROPHIC EPIDERMOLYSIS BULLOSA, AUTOSOMAL DOMINANT; Epidermolysis bullosa dystrophica, autosomal dominant; Dominant DEB (DDEB); DDEB, generalized; DDEB-gen. Identifiers: Orphanet 231568, MedGen C0432322, MONDO:0007549, OMIM 131750.
Nonsyndromic congenital nail disorder 8. Also called: TOENAIL DYSTROPHY, ISOLATED. Identifiers: MedGen C1843761, MONDO:0011852, OMIM 607523.
Recessive dystrophic epidermolysis bullosa (RDEB). Also called: EPIDERMOLYSIS BULLOSA DYSTROPHICA, GENERALIZED SEVERE, AUTOSOMAL RECESSIVE; severe generalized recessive dystrophic epidermolysis bullosa; Hallopeau-Siemens Disease; Epidermolysis Bullosa Distrophica Autosomal Recessive (RDEB); Recessive DEB (RDEB); DYSTROPHIC EPIDERMOLYSIS BULLOSA, AUTOSOMAL RECESSIVE. Identifiers: Orphanet 79408, Orphanet 79409, MedGen C0079474, MONDO:0009179, OMIM 226600.
Epidermolysis bullosa pruriginosa. Also called: DEB, PRURIGINOSA; DYSTROPHIC EPIDERMOLYSIS BULLOSA PRURIGINOSA. Identifiers: Orphanet 89843, MedGen C1275114, MONDO:0011398, OMIM 604129.

Submissions (3):

Labcorp Genetics (formerly Invitae), Labcorp
Classification: Uncertain significance. Last evaluated: 2025-11-29. Review status: criteria provided, single submitter. Criteria: Invitae Variant Classification Sherloc (09022015). Collection method: clinical testing. Allele origin: germline.
Comment: This sequence change replaces lysine, which is basic and polar, with glutamic acid, which is acidic and polar, at codon 1518 of the COL7A1 protein (p.Lys1518Glu). This variant is not present in population databases (gnomAD no frequency). This variant has not been reported in the literature in individuals affected with COL7A1-related conditions. ClinVar contains an entry for this variant (Variation ID: 1494915). Invitae Evidence Modeling of protein sequence and biophysical properties (such as structural, functional, and spatial information, amino acid conservation, physicochemical variation, residue mobility, and thermodynamic stability) indicates that this missense variant is not expected to disrupt COL7A1 protein function with a negative predictive value of 95%. In summary, the available evidence is currently insufficient to determine the role of this variant in disease. Therefore, it has been classified as a Variant of Uncertain Significance.

Fulgent Genetics
Classification: Uncertain significance for Transient bullous dermolysis of the newborn; Generalized dominant dystrophic epidermolysis bullosa; Pretibial dystrophic epidermolysis bullosa; Dominant dystrophic epidermolysis bullosa with absence of skin; Recessive dystrophic epidermolysis bullosa; Epidermolysis bullosa pruriginosa; Nonsyndromic congenital nail disorder 8. Last evaluated: 2022-02-09. Review status: criteria provided, single submitter. Criteria: ACMG Guidelines, 2015. Collection method: clinical testing. Allele origin: unknown.

Blueprint Genetics
Classification: Likely benign. Last evaluated: 2021-11-12. Review status: criteria provided, single submitter. Criteria: ACMG Guidelines, 2015. Collection method: clinical testing. Allele origin: germline.

NM_000094.4(COL7A1):c.4552A>G (p.Lys1518Glu)

Gene: COL7A1 (collagen type VII alpha 1 chain; minus strand). Cytogenetic location: 3p21.31.
Variant type: single nucleotide variant.
Coding change: c.4552A>G on transcript NM_000094.4 (MANE Select); coding-DNA position 4552, A replaced by G.
Protein change: p.Lys1518Glu; replaces lysine 1518 with glutamic acid.
Molecular consequence: missense variant.
Genome position (GRCh38, 1-based): chr3:48,582,620, T>C on the plus strand (A>G on the coding strand, the complement: COL7A1 is on the minus strand). VCF-style: chr3-48582620-T-C. GRCh37 (hg19) VCF-style: chr3-48620053-T-C.
Other names: short protein forms K1518E.
Identifiers: ClinVar variation 1494915 (VCV001494915.6), dbSNP rs2107720058, ClinGen allele CA352688579.
Genomic context (GRCh38, chr3:48,582,620, plus strand): 5'-GGGACACACAAAAGTCCCACTCCTGGTCCCACCACAGTCACAGACTCACTTCAGGACCCT[T>C]GGCTCCAGGACGTCCAGCAACCCCTGGCAGCCCCTGGAGGAGAGGAAGGGAAGAGCTGTG-3'
Protein context (NP_000085.1, residues 1508-1528): LPGVAGRPGA[Lys1518Glu]GPEGPPGPTG